The following is an entry in ClinVar:

ClinVar aggregate classification (germline): Uncertain significance (1 of 4 stars; one submission).

gnomAD v4.1: 1 of 1,612,884 alleles (0.000062%); highest among the groups gnomAD compares: Non-Finnish European, 0.000085%; no homozygotes.

Submission:

GeneDx
Classification: Uncertain significance. Last evaluated: 2026-04-22. Review status: criteria provided, single submitter. Criteria: GeneDx Variant Classification Process June 2021. Collection method: clinical testing. Allele origin: germline.
Comment: Not observed at significant frequency in large population cohorts (gnomAD); In silico analysis supports that this missense variant has a deleterious effect on protein structure/function; Has not been previously published as pathogenic or benign to our knowledge

NM_001039.4(SCNN1G):c.1268G>A (p.Cys423Tyr)

Gene: SCNN1G (sodium channel epithelial 1 subunit gamma; plus strand). Cytogenetic location: 16p12.2.
Variant type: single nucleotide variant.
Coding change: c.1268G>A on transcript NM_001039.4 (MANE Select); coding-DNA position 1268, G replaced by A.
Protein change: p.Cys423Tyr; replaces cysteine 423 with tyrosine.
Molecular consequence: missense variant.
Genome position (GRCh38, 1-based): chr16:23,212,125, G>A. VCF-style: chr16-23212125-G-A. GRCh37 (hg19) VCF-style: chr16-23223446-G-A.
Other names: short protein forms C423Y.
Identifiers: ClinVar variation 5037577 (VCV005037577.1).